The following is an entry in ClinVar:

NM_005477.3(HCN4):c.*1140G>A

Gene: HCN4 (hyperpolarization activated cyclic nucleotide gated potassium channel 4; minus strand). Cytogenetic location: 15q24.1.
Variant type: single nucleotide variant.
Coding change: c.*1140G>A on transcript NM_005477.3 (MANE Select); 1140 bases downstream of the stop codon, G replaced by A.
Molecular consequence: 3 prime UTR variant.
Genome position (GRCh38, 1-based): chr15:73,321,341, C>T on the plus strand (G>A on the coding strand, the complement: HCN4 is on the minus strand). VCF-style: chr15-73321341-C-T. GRCh37 (hg19) VCF-style: chr15-73613682-C-T.
Identifiers: ClinVar variation 887843 (VCV000887843.5), dbSNP rs74786613, ClinGen allele CA272662169.

ClinVar aggregate classification (germline): Benign. Review status: criteria provided, multiple submitters, no conflicts (2 of 4 stars). 2 submissions from 2 submitters: Benign (2). Last evaluated 2018-01-13.

Conditions:
Sick sinus syndrome 2, autosomal dominant (SSS2). Also called: ATRIAL FIBRILLATION WITH BRADYARRHYTHMIA; SINUS BRADYCARDIA SYNDROME, FAMILIAL, AUTOSOMAL DOMINANT; SINUS NODE DISEASE, FAMILIAL, AUTOSOMAL DOMINANT; SICK SINUS SYNDROME 2; SICK SINUS SYNDROME 2 WITH OR WITHOUT CARDIAC NONCOMPACTION AND/OR ASCENDING AORTA DILATION. Identifiers: Orphanet 166282, MedGen C1834144, MONDO:0008102, OMIM 163800.

Allele frequency attached by ClinVar (database versions not stated): gnomAD 0.00668 and 0.00748; TOPMed 0.00672; 1000 Genomes Project 30x 0.00750; 1000 Genomes Project 0.00859.

Submissions (2):

Illumina Laboratory Services, Illumina
Classification: Benign for Sick sinus syndrome 2, autosomal dominant. Last evaluated: 2018-01-13. Review status: criteria provided, single submitter. Criteria: ICSL Variant Classification Criteria 13 December 2019. Collection method: clinical testing. Allele origin: germline.
Comment: This variant was observed in the ICSL laboratory as part of a predisposition screen in an ostensibly healthy population. It had not been previously curated by ICSL or reported in the Human Gene Mutation Database (HGMD: prior to June 1st, 2018), and was therefore a candidate for classification through an automated scoring system. Utilizing variant allele frequency, disease prevalence and penetrance estimates, and inheritance mode, an automated score was calculated to assess if this variant is too frequent to cause the disease. Based on the score and internal cut-off values, a variant classified as benign is not then subjected to further curation. The score for this variant resulted in a classification of benign for this disease.

Breakthrough Genomics
Classification: Benign. Review status: criteria provided, single submitter. Criteria: ACMG Guidelines, 2015. Collection method: not provided. Allele origin: germline. Inheritance: Autosomal dominant inheritance. Affected: yes.